The following is an entry in ClinVar:

ClinVar aggregate classification (germline): Pathogenic (1 of 4 stars; one submission).

Conditions:
Autosomal recessive limb-girdle muscular dystrophy type 2F (LGMDR6). Also called: MUSCULAR DYSTROPHY, LIMB-GIRDLE, AUTOSOMAL RECESSIVE 6; Muscular dystrophy limb-girdle with delta-sarcoglyan deficiency. Identifiers: Orphanet 219, MedGen C1832525, MONDO:0011028, OMIM 601287. Disease mechanism: Affects gamma-sarcoglycan and also disrupts the integrity of the entire sarcoglycan complex..

gnomAD v4.1: 8 of 1,611,948 alleles (0.0005%); highest among the groups gnomAD compares: Non-Finnish European, 0.00068%; no homozygotes.

Submission:

Myriad Genetics, Inc.
Classification: Pathogenic for Autosomal recessive limb-girdle muscular dystrophy type 2F. Last evaluated: 2025-10-15. Review status: criteria provided, single submitter. Criteria: Myriad Autosomal Dominant, Autosomal Recessive and X-Linked Classification Criteria (2023). Collection method: clinical testing. Allele origin: unknown.
Comment: NM_000337.5(SGCD):c.69C>G(Y23*) is a nonsense variant classified as pathogenic in the context of delta-sarcoglycanopathy. Y23* has not been observed in cases with relevant disease. Relevant functional assessments of this variant are not available in the literature. Y23* has not been observed in referenced population frequency databases. In summary, NM_000337.5(SGCD):c.69C>G(Y23*) is a nonsense variant in a gene where loss of function is a known mechanism of disease and is predicted to disrupt protein function. Please note: this variant was assessed in the context of healthy population screening.

NM_000337.6(SGCD):c.69C>G (p.Tyr23Ter)

Gene: SGCD (sarcoglycan delta; plus strand). Cytogenetic location: 5q33.3.
Variant type: single nucleotide variant.
Coding change: c.69C>G on transcript NM_000337.6 (MANE Select); coding-DNA position 69, C replaced by G.
Protein change: p.Tyr23Ter; replaces tyrosine 23 with a stop codon.
Molecular consequence: nonsense.
Genome position (GRCh38, 1-based): chr5:156,344,554, C>G. VCF-style: chr5-156344554-C-G. GRCh37 (hg19) VCF-style: chr5-155771564-C-G.
Other names: c.66C>G, p.Tyr22Ter (NM_001128209.2); c.69C>G, p.Tyr23Ter (NM_172244.3); short protein forms Y22*, Y23*.
Identifiers: ClinVar variation 5003503 (VCV005003503.1).